The following is an entry in ClinVar:

ClinVar aggregate classification (germline): Likely benign. Review status: criteria provided, multiple submitters, no conflicts (2 of 4 stars). 3 submissions from 3 submitters: Likely benign (3). Last evaluated 2026-01-15.

Conditions:
RYR1-related disorder. Also called: RYR1-related disorders; RYR1-related condition. Identifiers: MedGen CN239331.
Malignant hyperthermia, susceptibility to, 1 (MHS1). Also called: RYR1-Related Malignant Hyperthermia Susceptibility; Anesthesia related hyperthermia; Malignant hyperpyrexia; Fulminating hyperpyrexia; Pharmacogenic myopathy; Malignant hyperthermia suceptibility 1. Identifiers: Orphanet 423, MedGen C2930980, MONDO:0007783, OMIM 145600.

Allele frequency attached by ClinVar (database versions not stated): gnomAD 0.00001; TOPMed 0.00002; ExAC 0.00006; gnomAD exomes 0.00006.
gnomAD v4.1: 85 of 1,611,346 alleles (0.0053%); highest among the groups gnomAD compares: Non-Finnish European, 0.0069%; no homozygotes.

Submissions (3):

Labcorp Genetics (formerly Invitae), Labcorp
Classification: Likely benign for RYR1-related disorder. Last evaluated: 2026-01-15. Review status: criteria provided, single submitter. Criteria: Invitae Variant Classification Sherloc (09022015). Collection method: clinical testing. Allele origin: germline.

All of Us Research Program, National Institutes of Health
Classification: Likely benign for Malignant hyperthermia, susceptibility to, 1. Last evaluated: 2024-02-05. Review status: criteria provided, single submitter. Criteria: ACMG Guidelines, 2015. Collection method: clinical testing. Allele origin: germline. Inheritance: Autosomal dominant inheritance. Observed: 6 variant alleles, 6 heterozygotes.
Comment: This study involves interpretation of variants in research participants for the purpose of population health screening. Participant phenotype was not available at the time of variant classification. Additional details can be found in publication PMID: 35346344, PMCID: PMC8962531

GeneDx
Classification: Likely benign. Last evaluated: 2016-07-21. Review status: criteria provided, single submitter. Criteria: GeneDx Variant Classification (06012015). Collection method: clinical testing. Allele origin: germline. Affected: yes.
Comment: This variant is considered likely benign or benign based on one or more of the following criteria: it is a conservative change, it occurs at a poorly conserved position in the protein, it is predicted to be benign by multiple in silico algorithms, and/or has population frequency not consistent with disease.

NM_000540.3(RYR1):c.7851G>A (p.Ser2617=)

Gene: RYR1 (ryanodine receptor 1; plus strand). Cytogenetic location: 19q13.2.
Variant type: single nucleotide variant.
Coding change: c.7851G>A on transcript NM_000540.3 (MANE Select); coding-DNA position 7851, G replaced by A.
Protein change: p.Ser2617=; no amino-acid change (serine 2617 retained).
Molecular consequence: synonymous variant.
Genome position (GRCh38, 1-based): chr19:38,502,895, G>A. VCF-style: chr19-38502895-G-A. GRCh37 (hg19) VCF-style: chr19-38993535-G-A.
Other names: c.7851G>A, p.Ser2617= (NM_001042723.2).
Identifiers: ClinVar variation 387813 (VCV000387813.10), dbSNP rs745334519, ClinGen allele CA070838.